The following is an entry in ClinVar:

ClinVar aggregate classification (germline): Uncertain significance (1 of 4 stars; one submission).

Conditions:
Hereditary cancer-predisposing syndrome. Also called: Neoplastic Syndromes, Hereditary; Hereditary Cancer Syndrome; Tumor predisposition; Hereditary neoplastic syndrome. Identifiers: Orphanet 140162, MedGen C0027672, MeSH D009386, MONDO:0015356.

Submission:

Color Diagnostics, LLC DBA Color Health
Classification: Uncertain significance for Hereditary cancer-predisposing syndrome. Last evaluated: 2023-12-05. Review status: criteria provided, single submitter. Criteria: ACMG Guidelines, 2015. Collection method: clinical testing. Allele origin: germline.
Comment: This missense variant replaces leucine with glutamine at codon 1939 of the ATM protein. Computational prediction suggests that this variant may have deleterious impact on protein structure and function (internally defined REVEL score threshold >= 0.7, PMID: 27666373). To our knowledge, functional studies have not been reported for this variant. This variant has not been reported in individuals affected with ATM-related disorders in the literature. This variant has not been identified in the general population by the Genome Aggregation Database (gnomAD). The available evidence is insufficient to determine the role of this variant in disease conclusively. Therefore, this variant is classified as a Variant of Uncertain Significance.

NM_000051.4(ATM):c.5816T>A (p.Leu1939Gln)

Genes: ATM (ATM serine/threonine kinase; plus strand), C11orf65 (chromosome 11 open reading frame 65; minus strand). Cytogenetic location: 11q22.3.
Variant type: single nucleotide variant.
Coding change: c.5816T>A on transcript NM_000051.4 (MANE Select); coding-DNA position 5816, T replaced by A.
Protein change: p.Leu1939Gln; replaces leucine 1939 with glutamine.
Molecular consequence: missense variant. On other transcripts: intron variant (2).
Genome position (GRCh38, 1-based): chr11:108,310,213, T>A. VCF-style: chr11-108310213-T-A. GRCh37 (hg19) VCF-style: chr11-108180940-T-A.
Other names: c.5816T>A, p.Leu1939Gln (NM_001351834.2); c.641-1142A>T (NM_001330368.2); c.*39-1142A>T (NM_001351110.2); short protein forms L1939Q.
Identifiers: ClinVar variation 489564 (VCV000489564.7), dbSNP rs1555110340, ClinGen allele CA382548389.
Genomic context (GRCh38, chr11:108,310,213, plus strand): 5'-TCTTTAGACCTTCTTCAGGAACAATTTTTAATGATGCTTTCTGGCTGGATTTAAATTATC[T>A]AGAAGTTGCCAAGGTAGCTCAGTCTTGTGCTGCTCACTTTACAGCTTTACTCTATGCAGA-3'
Protein context (NP_000042.3, residues 1929-1949): NDAFWLDLNY[Leu1939Gln]EVAKVAQSCA